The following is an entry in ClinVar:

NM_020822.3(KCNT1):c.261G>A (p.Gln87=)

Gene: KCNT1 (potassium sodium-activated channel subfamily T member 1; plus strand). Cytogenetic location: 9q34.3.
Variant type: single nucleotide variant.
Coding change: c.261G>A on transcript NM_020822.3 (MANE Select); coding-DNA position 261, G replaced by A.
Protein change: p.Gln87=; no amino-acid change (glutamine 87 retained).
Molecular consequence: synonymous variant.
Genome position (GRCh38, 1-based): chr9:135,750,104, G>A. VCF-style: chr9-135750104-G-A. GRCh37 (hg19) VCF-style: chr9-138641950-G-A.
Other names: c.117G>A, p.Gln39= (NM_001272003.2).
Identifiers: ClinVar variation 388670 (VCV000388670.6), dbSNP rs777687658, ClinGen allele CA5326352.

ClinVar aggregate classification (germline): Likely benign. Review status: criteria provided, multiple submitters, no conflicts (2 of 4 stars). 2 submissions from 2 submitters: Likely benign (2). Last evaluated 2022-09-01.

Conditions:
Developmental and epileptic encephalopathy, 14 (DEE14). Also called: Early infantile epileptic encephalopathy 14. Identifiers: Orphanet 293181, MedGen C3554195, MONDO:0013989, OMIM 614959.
Autosomal dominant nocturnal frontal lobe epilepsy 5. Also called: KCNT1-Related Epilepsy; CILIARY DYSKINESIA, PRIMARY, 28, WITHOUT SITUS INVERSUS; CILIARY DYSKINESIA, PRIMARY, 28, WITH SITUS INVERSUS; Epilepsy, nocturnal frontal lobe, 5. Identifiers: Orphanet 98784, MedGen C3554306, MONDO:0014002, OMIM 615005.

Allele frequency attached by ClinVar (database versions not stated): gnomAD exomes below 0.00001 and 0.00001; ExAC 0.00001; gnomAD 0.00001; TOPMed 0.00001.
gnomAD v4.1: 12 of 1,613,680 alleles (0.00074%); highest among the groups gnomAD compares: Non-Finnish European, 0.001%; no homozygotes.

Submissions (2):

Labcorp Genetics (formerly Invitae), Labcorp
Classification: Likely benign for Autosomal dominant nocturnal frontal lobe epilepsy 5; Developmental and epileptic encephalopathy, 14. Last evaluated: 2022-09-01. Review status: criteria provided, single submitter. Criteria: Invitae Variant Classification Sherloc (09022015). Collection method: clinical testing. Allele origin: germline.

GeneDx
Classification: Likely benign. Last evaluated: 2016-08-19. Review status: criteria provided, single submitter. Criteria: GeneDx Variant Classification (06012015). Collection method: clinical testing. Allele origin: germline. Affected: yes.
Comment: This variant is considered likely benign or benign based on one or more of the following criteria: it is a conservative change, it occurs at a poorly conserved position in the protein, it is predicted to be benign by multiple in silico algorithms, and/or has population frequency not consistent with disease.